The following is an entry in ClinVar:

ClinVar aggregate classification (germline): Uncertain significance (1 of 4 stars; one submission).

gnomAD v4.1: 2 of 1,614,016 alleles (0.00012%); highest among the groups gnomAD compares: Non-Finnish European, 0.00017%; no homozygotes.

Submission:

GeneDx
Classification: Uncertain significance. Last evaluated: 2025-07-23. Review status: criteria provided, single submitter. Criteria: GeneDx Variant Classification Process June 2021. Collection method: clinical testing. Allele origin: germline. Affected: yes.
Comment: Not observed at significant frequency in large population cohorts (gnomAD); In silico analysis supports that this missense variant has a deleterious effect on protein structure/function; Has not been previously published as pathogenic or benign to our knowledge

NM_015512.5(DNAH1):c.1334A>G (p.Tyr445Cys)

Gene: DNAH1 (dynein axonemal heavy chain 1; plus strand). Cytogenetic location: 3p21.1.
Variant type: single nucleotide variant.
Coding change: c.1334A>G on transcript NM_015512.5 (MANE Select); coding-DNA position 1334, A replaced by G.
Protein change: p.Tyr445Cys; replaces tyrosine 445 with cysteine.
Molecular consequence: missense variant.
Genome position (GRCh38, 1-based): chr3:52,344,537, A>G. VCF-style: chr3-52344537-A-G. GRCh37 (hg19) VCF-style: chr3-52378553-A-G.
Other names: short protein forms Y445C.
Identifiers: ClinVar variation 4686871 (VCV004686871.1).